The following is an entry in ClinVar:

NM_013432.5(TONSL):c.1768G>A (p.Asp590Asn)

Genes: TONSL (tonsoku like, DNA repair protein; minus strand), TONSL-AS1 (TONSL antisense RNA 1; plus strand). Cytogenetic location: 8q24.3.
Variant type: single nucleotide variant.
Coding change: c.1768G>A on transcript NM_013432.5 (MANE Select); coding-DNA position 1768, G replaced by A.
Protein change: p.Asp590Asn; replaces aspartic acid 590 with asparagine.
Molecular consequence: missense variant. On other transcripts: non-coding transcript variant (1).
Genome position (GRCh38, 1-based): chr8:144,436,879, C>T on the plus strand (G>A on the coding strand, the complement: TONSL is on the minus strand). VCF-style: chr8-144436879-C-T. GRCh37 (hg19) VCF-style: chr8-145662262-C-T.
Other names: short protein forms D590N.
Identifiers: ClinVar variation 1489349 (VCV001489349.3), dbSNP rs141468690, ClinGen allele CA4943052.

ClinVar aggregate classification (germline): Uncertain significance (1 of 4 stars; one submission).

Allele frequency attached by ClinVar (database versions not stated): gnomAD 0.00001; ExAC 0.00002; gnomAD exomes 0.00002 and 0.00005; TOPMed 0.00002; ESP Exome Variant Server 0.00015.
gnomAD v4.1: 68 of 1,609,188 alleles (0.0042%); highest among the groups gnomAD compares: East Asian, 0.04%; no homozygotes.

Submission:

Labcorp Genetics (formerly Invitae), Labcorp
Classification: Uncertain significance. Last evaluated: 2021-09-10. Review status: criteria provided, single submitter. Criteria: Invitae Variant Classification Sherloc (09022015). Collection method: clinical testing. Allele origin: germline.
Comment: This sequence change replaces aspartic acid with asparagine at codon 590 of the TONSL protein (p.Asp590Asn). The aspartic acid residue is highly conserved and there is a small physicochemical difference between aspartic acid and asparagine. This variant is present in population databases (rs141468690, ExAC 0.003%). This variant has not been reported in the literature in individuals affected with TONSL-related conditions. Algorithms developed to predict the effect of missense changes on protein structure and function are either unavailable or do not agree on the potential impact of this missense change (SIFT: "Deleterious"; PolyPhen-2: "Probably Damaging"; Align-GVGD: "Class C15"). In summary, the available evidence is currently insufficient to determine the role of this variant in disease. Therefore, it has been classified as a Variant of Uncertain Significance.